The following is an entry in ClinVar:

ClinVar aggregate classification (germline): Uncertain significance (1 of 4 stars; one submission).

Conditions:
Developmental and epileptic encephalopathy, 13 (DEE13). Also called: Early infantile epileptic encephalopathy 13; SCN8A-Related Epilepsy; Developmental and Epileptic Encephalopathy (SCN8A-DEE). Identifiers: Orphanet 442835, MedGen C3281191, MONDO:0013801, OMIM 614558.

Submission:

Institute of Human Genetics, University of Leipzig Medical Center
Classification: Uncertain significance for Developmental and epileptic encephalopathy, 13. Last evaluated: 2026-07-30. Review status: criteria provided, single submitter. Criteria: ACMG Guidelines, 2015. Collection method: clinical testing. Allele origin: paternal. Inheritance: Autosomal dominant inheritance. Affected: yes.
Comment: Criteria applied: PM2,PM5,PP3_MOD,BS2

NM_001330260.2(SCN8A):c.3563G>T (p.Arg1188Leu)

Gene: SCN8A (sodium voltage-gated channel alpha subunit 8; plus strand). Cytogenetic location: 12q13.13.
Variant type: single nucleotide variant.
Coding change: c.3563G>T on transcript NM_001330260.2 (MANE Select); coding-DNA position 3563, G replaced by T.
Protein change: p.Arg1188Leu; replaces arginine 1188 with leucine.
Molecular consequence: missense variant.
Genome position (GRCh38, 1-based): chr12:51,770,601, G>T. VCF-style: chr12-51770601-G-T. GRCh37 (hg19) VCF-style: chr12-52164385-G-T.
Other names: c.3563G>T, p.Arg1188Leu (NM_001177984.3, NM_001369788.1, NM_014191.4); short protein forms R1188L.
Identifiers: ClinVar variation 4890710 (VCV004890710.1).